The following is an entry in ClinVar:

ClinVar aggregate classification (germline): Uncertain significance (0 of 4 stars; one submission).

Conditions:
CCDC22-related disorder. Also called: CCDC22-related condition.

Allele frequency attached by ClinVar (database versions not stated): TOPMed 0.00001.

Submission:

PreventionGenetics, part of Exact Sciences
Classification: Uncertain significance for CCDC22-related condition. Last evaluated: 2023-12-16. Review status: no assertion criteria provided. Collection method: clinical testing. Allele origin: germline.
Comment: The CCDC22 c.956C>A variant is predicted to result in the amino acid substitution p.Ser319Tyr. To our knowledge, this variant has not been reported in the literature or in a large population database, indicating this variant is rare. At this time, the clinical significance of this variant is uncertain due to the absence of conclusive functional and genetic evidence.

NM_014008.5(CCDC22):c.956C>A (p.Ser319Tyr)

Gene: CCDC22 (CCC complex scaffolding subunit CCDC22; plus strand). Cytogenetic location: Xp11.23.
Variant type: single nucleotide variant.
Coding change: c.956C>A on transcript NM_014008.5 (MANE Select); coding-DNA position 956, C replaced by A.
Protein change: p.Ser319Tyr; replaces serine 319 with tyrosine.
Molecular consequence: missense variant.
Genome position (GRCh38, 1-based): chrX:49,247,542, C>A. VCF-style: chrX-49247542-C-A. GRCh37 (hg19) VCF-style: chrX-49104003-C-A.
Other names: short protein forms S319Y.
Identifiers: ClinVar variation 3055673 (VCV003055673.2), dbSNP rs781882275, ClinGen allele CA412938283.